The following is an entry in ClinVar:

ClinVar aggregate classification (germline): Benign. Review status: criteria provided, multiple submitters, no conflicts (2 of 4 stars). 2 submissions from 2 submitters: Benign (2). Last evaluated 2024-07-31.

Allele frequency attached by ClinVar (database versions not stated): 1000 Genomes Project 30x 0.22064; 1000 Genomes Project 0.22204; TOPMed 0.26287; gnomAD 0.27873 and 0.27966; ESP Exome Variant Server 0.29433; gnomAD exomes 0.31631 and 0.34065; ExAC 0.32253.

Submissions (2):

Unidad de Genómica Garrahan, Hospital de Pediatría Garrahan
Classification: Benign. Last evaluated: 2024-07-31. Review status: criteria provided, single submitter. Criteria: ACMG Guidelines, 2015. Collection method: clinical testing. Allele origin: germline. Affected: no. Observed: 47 variant alleles.
Comment: This variant is classified as Benign based on local population frequency. This variant was detected in 51% of patients studied in a panel designed for Epileptic and Developmental Encephalopathy, Progressive Myoclonus Epilepsy and Abnormal Movements and Neurodegeneration with brain iron accumulation. Number of patients: 47. Only high quality variants are reported.

GeneDx
Classification: Benign. Last evaluated: 2018-06-23. Review status: criteria provided, single submitter. Criteria: GeneDx Variant Classification Process June 2021. Collection method: clinical testing. Allele origin: germline. Affected: yes.

NM_020442.6(VARS2):c.1932+37T>C

Genes: VARS2 (valyl-tRNA synthetase 2, mitochondrial; plus strand), LOC126859646 (MED14-independent group 3 enhancer GRCh37_chr6:30889690-30890889; plus strand). Cytogenetic location: 6p21.33.
Variant type: single nucleotide variant.
Coding change: c.1932+37T>C on transcript NM_020442.6 (MANE Select); 37 bases into the intron after coding-DNA position 1932, T replaced by C.
Molecular consequence: intron variant.
Genome position (GRCh38, 1-based): chr6:30,922,278, T>C. VCF-style: chr6-30922278-T-C. GRCh37 (hg19) VCF-style: chr6-30890055-T-C.
Other names: c.2022+37T>C (NM_001167734.2); c.1512+37T>C (NM_001167733.3).
Identifiers: ClinVar variation 1292277 (VCV001292277.4), dbSNP rs2517466, ClinGen allele CA3706080.